The following is an entry in ClinVar:

NM_032119.4(ADGRV1):c.4930-1G>C

Gene: ADGRV1 (adhesion G protein-coupled receptor V1; plus strand). Cytogenetic location: 5q14.3.
Variant type: single nucleotide variant.
Coding change: c.4930-1G>C on transcript NM_032119.4 (MANE Select); the canonical splice acceptor site of the intron before coding-DNA position 4930, G replaced by C.
Molecular consequence: splice acceptor variant.
Genome position (GRCh38, 1-based): chr5:90,674,053, G>C. VCF-style: chr5-90674053-G-C. GRCh37 (hg19) VCF-style: chr5-89969870-G-C.
Identifiers: ClinVar variation 5006932 (VCV005006932.2).

ClinVar aggregate classification (germline): Likely pathogenic (1 of 4 stars; one submission).

Conditions:
Usher syndrome type 2C. Also called: Usher syndrome, type 2B; USHER SYNDROME, TYPE IIC. Identifiers: Orphanet 231178, Orphanet 886, MedGen C2931213, MONDO:0011558, OMIM 605472.
Febrile seizures, familial, 4 (FEB4). Also called: CONVULSIONS, FAMILIAL FEBRILE, 4. Identifiers: MedGen C1858493, MONDO:0011443, OMIM 604352.

Submission:

Juno Genomics, Hangzhou Juno Genomics, Inc
Classification: Likely pathogenic for Usher syndrome type 2C; Febrile seizures, familial, 4. Review status: criteria provided, single submitter. Criteria: ACMG Guidelines, 2015. Collection method: clinical testing. Allele origin: germline.
Comment: Null variant in a gene where loss of function (LOF) is a known mechanism of disease.;Absent from controls (or at extremely low frequency if recessive) in Genome Aggregation Database.